The following is an entry in ClinVar:

NM_015102.5(NPHP4):c.3636C>G (p.Ile1212Met)

Gene: NPHP4 (nephrocystin 4; minus strand). Cytogenetic location: 1p36.31.
Variant type: single nucleotide variant.
Coding change: c.3636C>G on transcript NM_015102.5 (MANE Select); coding-DNA position 3636, C replaced by G.
Protein change: p.Ile1212Met; replaces isoleucine 1212 with methionine.
Molecular consequence: missense variant. On other transcripts: non-coding transcript variant (1).
Genome position (GRCh38, 1-based): chr1:5,866,381, G>C on the plus strand (C>G on the coding strand, the complement: NPHP4 is on the minus strand). VCF-style: chr1-5866381-G-C. GRCh37 (hg19) VCF-style: chr1-5926441-G-C.
Other names: c.2097C>G, p.Ile699Met (NM_001291593.2); c.2100C>G, p.Ile700Met (NM_001291594.2); short protein forms I1212M, I699M, I700M.
Identifiers: ClinVar variation 2013793 (VCV002013793.4), dbSNP rs779900061, ClinGen allele CA338050927.

ClinVar aggregate classification (germline): Uncertain significance (1 of 4 stars; one submission).

Conditions:
Nephronophthisis. Also called: Juvenile Nephronophthisis. Identifiers: Orphanet 655, MedGen C0687120, MONDO:0019005, HP:0000090.

gnomAD v4.1: 3 of 1,604,338 alleles (0.00019%); highest among the groups gnomAD compares: Non-Finnish European, 0.00026%; no homozygotes.

Submission:

Labcorp Genetics (formerly Invitae), Labcorp
Classification: Uncertain significance for Nephronophthisis. Last evaluated: 2022-07-03. Review status: criteria provided, single submitter. Criteria: Invitae Variant Classification Sherloc (09022015). Collection method: clinical testing. Allele origin: germline.
Comment: In summary, the available evidence is currently insufficient to determine the role of this variant in disease. Therefore, it has been classified as a Variant of Uncertain Significance. Algorithms developed to predict the effect of missense changes on protein structure and function (SIFT, PolyPhen-2, Align-GVGD) all suggest that this variant is likely to be tolerated. This variant has not been reported in the literature in individuals affected with NPHP4-related conditions. The frequency data for this variant in the population databases is considered unreliable, as metrics indicate poor data quality at this position in the gnomAD database. This sequence change replaces isoleucine, which is neutral and non-polar, with methionine, which is neutral and non-polar, at codon 1212 of the NPHP4 protein (p.Ile1212Met).